The following is an entry in ClinVar:

NM_000535.7(PMS2):c.2068A>T (p.Lys690Ter)

Gene: PMS2 (PMS1 homolog 2, mismatch repair system component; minus strand). Cytogenetic location: 7p22.1.
Variant type: single nucleotide variant.
Coding change: c.2068A>T on transcript NM_000535.7 (MANE Select); coding-DNA position 2068, A replaced by T.
Protein change: p.Lys690Ter; replaces lysine 690 with a stop codon.
Molecular consequence: nonsense. On other transcripts: non-coding transcript variant (1).
Genome position (GRCh38, 1-based): chr7:5,982,930, T>A on the plus strand (A>T on the coding strand, the complement: PMS2 is on the minus strand). VCF-style: chr7-5982930-T-A. GRCh37 (hg19) VCF-style: chr7-6022561-T-A.
Other names: c.1507A>T, p.Lys503Ter (NM_001406906.1, NM_001406907.1, NM_001322010.2); c.1495A>T, p.Lys499Ter (NM_001406909.1, NM_001322013.2); c.1297A>T, p.Lys433Ter (NM_001406911.1); c.865A>T, p.Lys289Ter (NM_001406912.1); c.1663A>T, p.Lys555Ter (NM_001018040.1, NM_001322003.2, NM_001322004.2 and 15 more transcripts); c.1912A>T, p.Lys638Ter (NM_001322006.2, NM_001406870.1); c.1750A>T, p.Lys584Ter (NM_001322007.2, NM_001322008.2, NM_001406876.1 and 1 more transcripts); c.1135A>T, p.Lys379Ter (NM_001322011.2, NM_001322012.2); and 13 more; short protein forms K289*, K433*, K582*, K654*, K690*, K503*, K519*, K584*.
Identifiers: ClinVar variation 1785318 (VCV001785318.2), dbSNP rs587781909, ClinGen allele CA366738068.
Genomic context (GRCh38, chr7:5,982,930, plus strand): 5'-CGAAGTTATACTTCTCGTCCGTGGCATGCTGGTCCACTATGAAGATATCCTCATTCAGTT[T>A]GGTTATTATAAATCCCAGGTTAAACTGACCAATGATTTCCATTTCTGCAAACATCGTTTT-3'

ClinVar aggregate classification (germline): Pathogenic (1 of 4 stars; one submission).

Conditions:
Hereditary cancer-predisposing syndrome. Also called: Neoplastic Syndromes, Hereditary; Tumor predisposition; Hereditary Cancer Syndrome; Hereditary neoplastic syndrome. Identifiers: Orphanet 140162, MedGen C0027672, MeSH D009386, MONDO:0015356.

Submission:

Ambry Genetics
Classification: Pathogenic for Hereditary cancer-predisposing syndrome. Last evaluated: 2019-01-02. Review status: criteria provided, single submitter. Criteria: Ambry Variant Classification Scheme 2023. Collection method: clinical testing. Allele origin: germline.
Comment: The p.K690* pathogenic mutation (also known as c.2068A>T), located in coding exon 12 of the PMS2 gene, results from an A to T substitution at nucleotide position 2068. This changes the amino acid from a lysine to a stop codon within coding exon 12. This alteration is expected to result in loss of function by premature protein truncation or nonsense-mediated mRNA decay. As such, this alteration is interpreted as a disease-causing mutation.